The following is an entry in ClinVar:

ClinVar aggregate classification (germline): Uncertain significance (1 of 4 stars; one submission).

Conditions:
Fabry disease. Also called: Fabry's disease; ALPHA-GALACTOSIDASE A DEFICIENCY; ANDERSON-FABRY DISEASE; CERAMIDE TRIHEXOSIDASE DEFICIENCY; GLA DEFICIENCY; HEREDITARY DYSTOPIC LIPIDOSIS. Identifiers: Orphanet 324, MedGen C0002986, MONDO:0010526, OMIM 301500, HP:0001071. Disease mechanism: Fabry disease is due to inactivating mutations in the X-linked GLA gene resulting in deficiency of the enzyme Alpha Galactosidase-A., loss of function.

Submission:

Genomenon, Inc
Classification: Uncertain significance for Fabry disease. Last evaluated: 2026-09-08. Review status: criteria provided, single submitter. Criteria: Genomenon Sequence Variant Interpretation Standards - Updated. Collection method: curation. Allele origin: germline. Affected: no.
Comment: GLA p.Pro6Leu (c.17C>T) is a missense variant that changes the amino acid at codon 6 from Proline to Leucine. This variant has been reported in the published literature (PMID:39468034). It is absent or not present at a significant frequency in gnomAD. In silico models predict that this variant is not damaging. In conclusion, we classify GLA p.Pro6Leu (c.17C>T) as a variant of uncertain significance.

Literature cited by the submitters: PubMed 39468034.

NM_000169.3(GLA):c.17C>T (p.Pro6Leu)

Genes: GLA (galactosidase alpha; minus strand), RPL36A-HNRNPH2 (RPL36A-HNRNPH2 readthrough; plus strand). Cytogenetic location: Xq22.1.
Variant type: single nucleotide variant.
Coding change: c.17C>T on transcript NM_000169.3 (MANE Select); coding-DNA position 17, C replaced by T.
Protein change: p.Pro6Leu; replaces proline 6 with leucine.
Molecular consequence: missense variant. On other transcripts: non-coding transcript variant (3), intron variant (2).
Genome position (GRCh38, 1-based): chrX:101,407,887, G>A on the plus strand (C>T on the coding strand, the complement: GLA is on the minus strand). VCF-style: chrX-101407887-G-A. GRCh37 (hg19) VCF-style: chrX-100662875-G-A.
Other names: c.17C>T, p.Pro6Leu (NM_001406747.1, NM_001406748.1, NM_001406749.1); c.301-4049G>A (NM_001199973.2); c.178-4049G>A (NM_001199974.2); short protein forms P6L.
Identifiers: ClinVar variation 4974865 (VCV004974865.1).